The following is an entry in ClinVar:

ClinVar aggregate classification (germline): Uncertain significance (1 of 4 stars; one submission).

Conditions:
Spastic paraplegia. Identifiers: MedGen C0037772, HP:0001258.

gnomAD v4.1: 1 of 1,614,160 alleles (0.000062%); highest among the groups gnomAD compares: Non-Finnish European, 0.000085%; no homozygotes.

Submission:

Labcorp Genetics (formerly Invitae), Labcorp
Classification: Uncertain significance for Spastic paraplegia. Last evaluated: 2020-11-17. Review status: criteria provided, single submitter. Criteria: Invitae Variant Classification Sherloc (09022015). Collection method: clinical testing. Allele origin: germline.
Comment: This sequence change replaces aspartic acid with glutamic acid at codon 1441 of the ZFYVE26 protein (p.Asp1441Glu). The aspartic acid residue is moderately conserved and there is a small physicochemical difference between aspartic acid and glutamic acid. This variant is not present in population databases (ExAC no frequency). This variant has not been reported in the literature in individuals with ZFYVE26-related conditions. Algorithms developed to predict the effect of missense changes on protein structure and function output the following: SIFT: "Tolerated"; PolyPhen-2: "Benign"; Align-GVGD: "Class C0". The glutamic acid amino acid residue is found in multiple mammalian species, suggesting that this missense change does not adversely affect protein function. These predictions have not been confirmed by published functional studies and their clinical significance is uncertain. In summary, the available evidence is currently insufficient to determine the role of this variant in disease. Therefore, it has been classified as a Variant of Uncertain Significance.

NM_015346.4(ZFYVE26):c.4323C>A (p.Asp1441Glu)

Gene: ZFYVE26 (zinc finger FYVE-type containing 26; minus strand). Cytogenetic location: 14q24.1.
Variant type: single nucleotide variant.
Coding change: c.4323C>A on transcript NM_015346.4 (MANE Select); coding-DNA position 4323, C replaced by A.
Protein change: p.Asp1441Glu; replaces aspartic acid 1441 with glutamic acid.
Molecular consequence: missense variant.
Genome position (GRCh38, 1-based): chr14:67,782,829, G>T on the plus strand (C>A on the coding strand, the complement: ZFYVE26 is on the minus strand). VCF-style: chr14-67782829-G-T. GRCh37 (hg19) VCF-style: chr14-68249546-G-T.
Other names: short protein forms D1441E.
Identifiers: ClinVar variation 1346087 (VCV001346087.8), dbSNP rs751803624, ClinGen allele CA390170114.
Genomic context (GRCh38, chr14:67,782,829, plus strand): 5'-ATTCTGCTCACCACATGCCACAGCACAGCTCAGGACTGCATCCTTTATGCTGCTCAAATC[G>T]TCCACATCTCGCCCGTACACTTCAGTGAGCTGAAGGGCCCGGGACCAATCTCTGGCCACC-3'
Protein context (NP_056161.2, residues 1431-1451): QLTEVYGRDV[Asp1441Glu]DLSSIKDAVL